The following is an entry in ClinVar:

ClinVar aggregate classification (germline): Uncertain significance (1 of 4 stars; one submission).

Conditions:
Peripheral neuropathy. Also called: Neuropathy. Identifiers: MedGen C0031117, MONDO:0005244, HP:0009830.

Allele frequency attached by ClinVar (database versions not stated): gnomAD exomes 0.00001.
gnomAD v4.1: 15 of 1,611,220 alleles (0.00093%); highest among the groups gnomAD compares: African/African-American, 0.0013%; no homozygotes.

Submission:

Labcorp Genetics (formerly Invitae), Labcorp
Classification: Uncertain significance for Peripheral neuropathy. Last evaluated: 2020-08-27. Review status: criteria provided, single submitter. Criteria: Invitae Variant Classification Sherloc (09022015). Collection method: clinical testing. Allele origin: germline.
Comment: This variant has not been reported in the literature in individuals with FLRT1-related conditions. In summary, the available evidence is currently insufficient to determine the role of this variant in disease. Therefore, it has been classified as a Variant of Uncertain Significance. Algorithms developed to predict the effect of missense changes on protein structure and function are either unavailable or do not agree on the potential impact of this missense change (SIFT: "Deleterious"; PolyPhen-2: "Possibly Damaging"; Align-GVGD: "Class C15"). This variant is not present in population databases (ExAC no frequency). This sequence change replaces phenylalanine with tyrosine at codon 410 of the FLRT1 protein (p.Phe410Tyr). The phenylalanine residue is highly conserved and there is a small physicochemical difference between phenylalanine and tyrosine.

NM_013280.5(FLRT1):c.1229T>A (p.Phe410Tyr)

Genes: FLRT1 (fibronectin leucine rich transmembrane protein 1; plus strand), MACROD1 (mono-ADP ribosylhydrolase 1; minus strand). Cytogenetic location: 11q13.1.
Variant type: single nucleotide variant.
Coding change: c.1229T>A on transcript NM_013280.5 (MANE Select); coding-DNA position 1229, T replaced by A.
Protein change: p.Phe410Tyr; replaces phenylalanine 410 with tyrosine.
Molecular consequence: missense variant. On other transcripts: intron variant (2).
Genome position (GRCh38, 1-based): chr11:64,117,496, T>A. VCF-style: chr11-64117496-T-A. GRCh37 (hg19) VCF-style: chr11-63884968-T-A.
Other names: c.1229T>A, p.Phe410Tyr (NM_001384466.1); c.1145T>A, p.Phe382Tyr (NM_001423967.1); c.517+33743A>T (NM_001411019.1, NM_014067.4); short protein forms F410Y, F382Y.
Identifiers: ClinVar variation 1009229 (VCV001009229.8), dbSNP rs914896380, ClinGen allele CA223799655.